The following is an entry in ClinVar:

ClinVar aggregate classification (germline): Uncertain significance (1 of 4 stars; one submission).

Allele frequency attached by ClinVar (database versions not stated): ExAC 0.00002; gnomAD exomes 0.00003; TOPMed 0.00003; gnomAD 0.00004.
gnomAD v4.1: 52 of 1,613,974 alleles (0.0032%); highest among the groups gnomAD compares: Non-Finnish European, 0.0042%; 1 homozygote.

Submissions (2):

Labcorp Genetics (formerly Invitae), Labcorp
Classification: Uncertain significance. Last evaluated: 2022-04-08. Review status: criteria provided, single submitter. Criteria: Invitae Variant Classification Sherloc (09022015). Collection method: clinical testing. Allele origin: germline.
Comment: This sequence change affects codon 81 of the TRMT5 mRNA. It is a 'silent' change, meaning that it does not change the encoded amino acid sequence of the TRMT5 protein. This variant is present in population databases (rs747550758, gnomAD 0.007%). This variant has not been reported in the literature in individuals affected with TRMT5-related conditions. Algorithms developed to predict the effect of sequence changes on RNA splicing suggest that this variant may create or strengthen a splice site. In summary, the available evidence is currently insufficient to determine the role of this variant in disease. Therefore, it has been classified as a Variant of Uncertain Significance.

Dr. Peter K. Rogan Lab, Western University
No classification provided (evidence only). Condition: Malignant tumor of esophagus. Review status: no classification provided. Collection method: in vitro. Allele origin: not applicable. Functional consequence: cryptic splice site. Not counted in ClinVar's aggregate classification.

NM_020810.3(TRMT5):c.243C>T (p.Gly81=)

Gene: TRMT5 (tRNA methyltransferase 5; minus strand). Cytogenetic location: 14q23.1.
Variant type: single nucleotide variant.
Coding change: c.243C>T on transcript NM_020810.3 (MANE Select); coding-DNA position 243, C replaced by T.
Protein change: p.Gly81=; no amino-acid change (glycine 81 retained).
Molecular consequence: synonymous variant.
Genome position (GRCh38, 1-based): chr14:60,979,655, G>A on the plus strand (C>T on the coding strand, the complement: TRMT5 is on the minus strand). VCF-style: chr14-60979655-G-A. GRCh37 (hg19) VCF-style: chr14-61446373-G-A.
Other names: c.327C>T, p.Gly109= (NM_001350253.1); c.324C>T, p.Gly108= (NM_001350254.1).
Identifiers: ClinVar variation 2069216 (VCV002069216.2), dbSNP rs747550758, ClinGen allele CA7213954.